The following is an entry in ClinVar:

ClinVar aggregate classification (germline): Uncertain significance (1 of 4 stars; one submission).

gnomAD v4.1: 1 of 1,555,834 alleles (0.000064%); highest among the groups gnomAD compares: Non-Finnish European, 0.000087%; no homozygotes.

Submission:

Labcorp Genetics (formerly Invitae), Labcorp
Classification: Uncertain significance. Last evaluated: 2022-03-10. Review status: criteria provided, single submitter. Criteria: Invitae Variant Classification Sherloc (09022015). Collection method: clinical testing. Allele origin: germline.
Comment: In summary, the available evidence is currently insufficient to determine the role of this variant in disease. Therefore, it has been classified as a Variant of Uncertain Significance. Algorithms developed to predict the effect of missense changes on protein structure and function (SIFT, PolyPhen-2, Align-GVGD) all suggest that this variant is likely to be tolerated. This variant has not been reported in the literature in individuals affected with SAMD11-related conditions. This variant is not present in population databases (gnomAD no frequency). This sequence change replaces serine, which is neutral and polar, with leucine, which is neutral and non-polar, at codon 469 of the SAMD11 protein (p.Ser469Leu).

NM_001385641.1(SAMD11):c.1895C>T (p.Ser632Leu)

Gene: SAMD11 (sterile alpha motif domain containing 11; plus strand). Cytogenetic location: 1p36.33.
Variant type: single nucleotide variant.
Coding change: c.1895C>T on transcript NM_001385641.1 (MANE Select); coding-DNA position 1895, C replaced by T.
Protein change: p.Ser632Leu; replaces serine 632 with leucine.
Molecular consequence: missense variant.
Genome position (GRCh38, 1-based): chr1:942,900, C>T. VCF-style: chr1-942900-C-T. GRCh37 (hg19) VCF-style: chr1-878280-C-T.
Other names: c.1898C>T, p.Ser633Leu (NM_001385640.1); c.1406C>T, p.Ser469Leu (NM_152486.4); short protein forms S632L, S469L, S633L.
Identifiers: ClinVar variation 1361839 (VCV001361839.6), dbSNP rs2100360836, ClinGen allele CA337812067.